The following is an entry in ClinVar:

NM_003079.5(SMARCE1):c.890_891delinsCT (p.Arg297Pro)

Gene: SMARCE1 (SWI/SNF related BAF chromatin remodeling complex subunit E1; minus strand). Cytogenetic location: 17q21.2.
Variant type: Indel.
Coding change: c.890_891delinsCT on transcript NM_003079.5 (MANE Select); coding-DNA positions 890 to 891, GC replaced by CT.
Protein change: p.Arg297Pro; replaces arginine 297 with proline.
Molecular consequence: missense variant.
Genome position (GRCh38, 1-based): chr17:40,630,850-40,630,851, GC replaced by AG on the plus strand (GC replaced by CT on the coding strand, the reverse complement: SMARCE1 is on the minus strand). VCF-style: chr17-40630850-GC-AG. GRCh37 (hg19) VCF-style: chr17-38787102-GC-AG.
Other names: short protein forms R297P.
Identifiers: ClinVar variation 2626160 (VCV002626160.2), dbSNP rs2508596068, ClinGen allele CA2582342167.

ClinVar aggregate classification (germline): Uncertain significance (1 of 4 stars; one submission).

Conditions:
Hereditary cancer-predisposing syndrome. Also called: Tumor predisposition; Hereditary Cancer Syndrome; Hereditary neoplastic syndrome; Neoplastic Syndromes, Hereditary. Identifiers: Orphanet 140162, MedGen C0027672, MeSH D009386, MONDO:0015356.

Submission:

Ambry Genetics
Classification: Uncertain significance for Hereditary cancer-predisposing syndrome. Last evaluated: 2023-08-01. Review status: criteria provided, single submitter. Criteria: Ambry Variant Classification Scheme 2023. Collection method: clinical testing. Allele origin: germline.
Comment: The c.890_891delGCinsCT variant (also known as p.R297P), located in coding exon 9 of the SMARCE1 gene, results from an in-frame deletion of GC and insertion of CT at nucleotide positions 890 to 891. This results in the substitution of the arginine residue for a proline residue at codon 297, an amino acid with dissimilar properties. This amino acid position is highly conserved in available vertebrate species. In addition, this alteration is predicted to be neutral by in silico analysis (Choi Y et al. PLoS ONE. 2012; 7(10):e46688). Missense and in-frame variants in SMARCE1 are known to cause neurodevelopmental disorders; however, such associations with increased risk of meningiomas are exceedingly rare (Kosho T et al. Am J Med Genet C Semin Med Genet. 2014 Sep;166C(3):262-75; Smith JM et al. Nat Genet. 2013 Mar;45(3):295-8). Based on the supporting evidence, the association of this alteration with Coffin-Siris syndrome is unknown; however, the association of this alteration with an increased risk of meningiomas is unlikely.